The following is an entry in ClinVar:

ClinVar aggregate classification (germline): Likely benign. Review status: criteria provided, single submitter (1 of 4 stars). 2 submissions from 2 submitters: Likely benign (1). 1 of the submissions does not count toward it. Last evaluated 2024-12-07.

Conditions:
ATP5F1A-related disorder. Also called: ATP5F1A-related condition.

gnomAD v4.1: 4 of 1,613,524 alleles (0.00025%); highest among the groups gnomAD compares: African/African-American, 0.0027%; no homozygotes.

Submissions (2):

Labcorp Genetics (formerly Invitae), Labcorp
Classification: Likely benign. Last evaluated: 2024-12-07. Review status: criteria provided, single submitter. Criteria: Invitae Variant Classification Sherloc (09022015). Collection method: clinical testing. Allele origin: germline.

PreventionGenetics, part of Exact Sciences
Classification: Likely benign for ATP5F1A-related condition. Last evaluated: 2020-01-07. Review status: no assertion criteria provided. Collection method: clinical testing. Allele origin: germline. Not counted in ClinVar's aggregate classification.
Comment: This variant is classified as likely benign based on ACMG/AMP sequence variant interpretation guidelines (Richards et al. 2015 PMID: 25741868, with internal and published modifications).

NM_004046.6(ATP5F1A):c.1317G>A (p.Gln439=)

Gene: ATP5F1A (ATP synthase F1 subunit alpha; minus strand). Cytogenetic location: 18q21.1.
Variant type: single nucleotide variant.
Coding change: c.1317G>A on transcript NM_004046.6 (MANE Select); coding-DNA position 1317, G replaced by A.
Protein change: p.Gln439=; no amino-acid change (glutamine 439 retained).
Molecular consequence: synonymous variant.
Genome position (GRCh38, 1-based): chr18:46,086,225, C>T on the plus strand (G>A on the coding strand, the complement: ATP5F1A is on the minus strand). VCF-style: chr18-46086225-C-T. GRCh37 (hg19) VCF-style: chr18-43666191-C-T.
Other names: c.1167G>A, p.Gln389= (NM_001001935.3, NM_001257335.2); c.1317G>A, p.Gln439= (NM_001001937.2); c.1251G>A, p.Gln417= (NM_001257334.2).
Identifiers: ClinVar variation 3349953 (VCV003349953.3).
Genomic context (GRCh38, chr18:46,086,225, plus strand): 5'-TTGTTGAGTGGCAGCATCGAGGTCAGAACCGAACTGGGCAAAAGCAGCAACCTCACGATA[C>T]TGAGCCAATTCCAGCTTCATGGTACCTGCTACCTGCAATACAGAAATTACTGTACTGTAA-3'
Protein context (NP_004037.1, residues 429-449): VAGTMKLELA[Gln439=]YREVAAFAQF